The following is an entry in ClinVar:

ClinVar aggregate classification (germline): Uncertain significance (1 of 4 stars; one submission).

Conditions:
Chédiak-Higashi syndrome (CHS). Also called: Chediak-Higashi Syndrome. Identifiers: Orphanet 167, MedGen C0007965, MONDO:0008963, OMIM 214500.

Allele frequency attached by ClinVar (database versions not stated): gnomAD exomes 0.00001; TOPMed 0.00001.
gnomAD v4.1: 8 of 1,612,822 alleles (0.0005%); highest among the groups gnomAD compares: East Asian, 0.0022%; no homozygotes.

Submission:

Labcorp Genetics (formerly Invitae), Labcorp
Classification: Uncertain significance for Chédiak-Higashi syndrome. Last evaluated: 2024-10-02. Review status: criteria provided, single submitter. Criteria: Invitae Variant Classification Sherloc (09022015). Collection method: clinical testing. Allele origin: germline.
Comment: This sequence change replaces arginine, which is basic and polar, with glutamine, which is neutral and polar, at codon 145 of the LYST protein (p.Arg145Gln). This variant is present in population databases (no rsID available, gnomAD 0.003%). This variant has not been reported in the literature in individuals affected with LYST-related conditions. ClinVar contains an entry for this variant (Variation ID: 2198590). Invitae Evidence Modeling of protein sequence and biophysical properties (such as structural, functional, and spatial information, amino acid conservation, physicochemical variation, residue mobility, and thermodynamic stability) indicates that this missense variant is not expected to disrupt LYST protein function with a negative predictive value of 80%. In summary, the available evidence is currently insufficient to determine the role of this variant in disease. Therefore, it has been classified as a Variant of Uncertain Significance.

NM_000081.4(LYST):c.434G>A (p.Arg145Gln)

Gene: LYST (lysosomal trafficking regulator; minus strand). Cytogenetic location: 1q42.3.
Variant type: single nucleotide variant.
Coding change: c.434G>A on transcript NM_000081.4 (MANE Select); coding-DNA position 434, G replaced by A.
Protein change: p.Arg145Gln; replaces arginine 145 with glutamine.
Molecular consequence: missense variant.
Genome position (GRCh38, 1-based): chr1:235,810,384, C>T on the plus strand (G>A on the coding strand, the complement: LYST is on the minus strand). VCF-style: chr1-235810384-C-T. GRCh37 (hg19) VCF-style: chr1-235973684-C-T.
Other names: c.434G>A, p.Arg145Gln (NM_001301365.1); short protein forms R145Q.
Identifiers: ClinVar variation 2198590 (VCV002198590.3), dbSNP rs1408975983, ClinGen allele CA344965223.
Genomic context (GRCh38, chr1:235,810,384, plus strand): 5'-GTGGAGAGCTGTGTCTTTCTTGCATCTCTTACAGAATAGCGATGGGTAATTTTACGCTGT[C>T]GTCTGCTTTTTCGAAAAACATTTACTTTTGCAGAAACCTGACTAGACAGGGCACTTCCTT-3'
Protein context (NP_000072.2, residues 135-155): AKVNVFRKSR[Arg145Gln]QRKITHRYSV